The following is an entry in ClinVar:

NM_000138.5(FBN1):c.3429C>A (p.Gly1143=)

Gene: FBN1 (fibrillin 1; minus strand). Cytogenetic location: 15q21.1.
Variant type: single nucleotide variant.
Coding change: c.3429C>A on transcript NM_000138.5 (MANE Select); coding-DNA position 3429, C replaced by A.
Protein change: p.Gly1143=; no amino-acid change (glycine 1143 retained).
Molecular consequence: synonymous variant.
Genome position (GRCh38, 1-based): chr15:48,487,346, G>T on the plus strand (C>A on the coding strand, the complement: FBN1 is on the minus strand). VCF-style: chr15-48487346-G-T. GRCh37 (hg19) VCF-style: chr15-48779543-G-T.
Identifiers: ClinVar variation 495591 (VCV000495591.18), dbSNP rs151232024, ClinGen allele CA050576.

ClinVar aggregate classification (germline): Likely benign. Review status: criteria provided, multiple submitters, no conflicts (2 of 4 stars). 6 submissions from 6 submitters: Likely benign (5). 1 of the submissions does not count toward it. Last evaluated 2026-01-27.

Conditions:
Marfan syndrome (MFS). Also called: MARFAN SYNDROME, TYPE I; FBN1-Related Marfan Syndrome; Marfan syndrome type 1; Marfan's syndrome; Marfan syndrome, classic. Identifiers: Orphanet 284963, Orphanet 558, MedGen C0024796, MONDO:0007947, OMIM 154700.
Familial thoracic aortic aneurysm and aortic dissection (TAAD). Also called: Thoracic aortic aneurysms and dissections. Identifiers: Orphanet 91387, MedGen C4707243, MONDO:0019625.
FBN1-related disorder. Also called: FBN1-related disorders.

Allele frequency attached by ClinVar (database versions not stated): gnomAD 0.00008; gnomAD exomes 0.00002 and 0.00001; ESP Exome Variant Server 0.00008; 1000 Genomes Project 30x 0.00016; 1000 Genomes Project 0.00020; ExAC 0.00002; TOPMed 0.00009.
gnomAD v4.1: 23 of 1,614,214 alleles (0.0014%); highest among the groups gnomAD compares: African/African-American, 0.031%; no homozygotes.

Submissions (6):

Labcorp Genetics (formerly Invitae), Labcorp
Classification: Likely benign for Marfan syndrome; Familial thoracic aortic aneurysm and aortic dissection. Last evaluated: 2026-01-27. Review status: criteria provided, single submitter. Criteria: Invitae Variant Classification Sherloc (09022015). Collection method: clinical testing. Allele origin: germline.

All of Us Research Program, National Institutes of Health
Classification: Likely benign for Marfan syndrome. Last evaluated: 2023-07-22. Review status: criteria provided, single submitter. Criteria: ACMG Guidelines, 2015. Collection method: clinical testing. Allele origin: germline. Inheritance: Autosomal dominant inheritance. Observed: 2 variant alleles, 2 heterozygotes.
Comment: This study involves interpretation of variants in research participants for the purpose of population health screening. Participant phenotype was not available at the time of variant classification. Additional details can be found in publication PMID: 35346344, PMCID: PMC8962531

Color Diagnostics, LLC DBA Color Health
Classification: Likely benign for Familial thoracic aortic aneurysm and aortic dissection. Last evaluated: 2022-11-06. Review status: criteria provided, single submitter. Criteria: ACMG Guidelines, 2015. Collection method: clinical testing. Allele origin: germline.

Ambry Genetics
Classification: Likely benign for Familial thoracic aortic aneurysm and aortic dissection. Last evaluated: 2022-04-11. Review status: criteria provided, single submitter. Criteria: Ambry Variant Classification Scheme 2023. Collection method: clinical testing. Allele origin: germline.

Women's Health and Genetics/Laboratory Corporation of America, LabCorp
Classification: Likely benign. Last evaluated: 2019-08-28. Review status: criteria provided, single submitter. Criteria: LabCorp Variant Classification Summary - May 2015. Collection method: clinical testing. Allele origin: germline.

PreventionGenetics, part of Exact Sciences
Classification: Likely benign for FBN1-related condition. Last evaluated: 2023-03-29. Review status: no assertion criteria provided. Collection method: clinical testing. Allele origin: germline. Not counted in ClinVar's aggregate classification.
Comment: This variant is classified as likely benign based on ACMG/AMP sequence variant interpretation guidelines (Richards et al. 2015 PMID: 25741868, with internal and published modifications).